The following is an entry in ClinVar:

NM_006846.4(SPINK5):c.1034A>G (p.Lys345Arg)

Gene: SPINK5 (serine peptidase inhibitor Kazal type 5; plus strand). Cytogenetic location: 5q32.
Variant type: single nucleotide variant.
Coding change: c.1034A>G on transcript NM_006846.4 (MANE Select); coding-DNA position 1034, A replaced by G.
Protein change: p.Lys345Arg; replaces lysine 345 with arginine.
Molecular consequence: missense variant.
Genome position (GRCh38, 1-based): chr5:148,099,257, A>G. VCF-style: chr5-148099257-A-G. GRCh37 (hg19) VCF-style: chr5-147478820-A-G.
Other names: c.1034A>G, p.Lys345Arg (NM_001127698.2, NM_001127699.2); short protein forms K345R.
Identifiers: ClinVar variation 1493502 (VCV001493502.3), dbSNP rs1461539646, ClinGen allele CA361635710.

ClinVar aggregate classification (germline): Uncertain significance (1 of 4 stars; one submission).

Conditions:
Netherton syndrome (NETH). Also called: NETHERTON DISEASE; ERYTHRODERMA, ICHTHYOSIFORM, WITH HYPOTRICHOSIS AND HYPER-IgE; COMEL-NETHERTON SYNDROME. Identifiers: Orphanet 634, MedGen C5574950, MONDO:0009735, OMIM 256500.

Allele frequency attached by ClinVar (database versions not stated): TOPMed 0.00001; gnomAD 0.00002 and 0.00003.
gnomAD v4.1: 3 of 1,611,596 alleles (0.00019%); highest among the groups gnomAD compares: African/African-American, 0.004%; no homozygotes.

Submission:

Labcorp Genetics (formerly Invitae), Labcorp
Classification: Uncertain significance for Ichthyosis linearis circumflexa. Last evaluated: 2021-07-22. Review status: criteria provided, single submitter. Criteria: Invitae Variant Classification Sherloc (09022015). Collection method: clinical testing. Allele origin: germline.
Comment: This sequence change replaces lysine with arginine at codon 345 of the SPINK5 protein (p.Lys345Arg). The lysine residue is moderately conserved and there is a small physicochemical difference between lysine and arginine. This variant is not present in population databases (ExAC no frequency). This variant has not been reported in the literature in individuals affected with SPINK5-related conditions. Algorithms developed to predict the effect of missense changes on protein structure and function output the following: SIFT: "Tolerated"; PolyPhen-2: "Possibly Damaging"; Align-GVGD: "Class C0". The arginine amino acid residue is found in multiple mammalian species, which suggests that this missense change does not adversely affect protein function. In summary, the available evidence is currently insufficient to determine the role of this variant in disease. Therefore, it has been classified as a Variant of Uncertain Significance.